The following is an entry in ClinVar:

ClinVar aggregate classification (germline): Uncertain significance. Review status: criteria provided, multiple submitters, no conflicts (2 of 4 stars). 3 submissions from 3 submitters: Uncertain significance (3). Last evaluated 2025-06-05.

Conditions:
Cardiovascular phenotype. Identifiers: MedGen CN230736.
RASopathy. Also called: Noonan spectrum disorder; rasopathies. Identifiers: Orphanet 536391, MedGen C5555857, MONDO:0021060.

Submissions (3):

Ambry Genetics
Classification: Uncertain significance for Cardiovascular phenotype. Last evaluated: 2025-06-05. Review status: criteria provided, single submitter. Criteria: Ambry Variant Classification Scheme 2023. Collection method: clinical testing. Allele origin: germline.
Comment: The p.T231N variant (also known as c.692C>A), located in coding exon 4 of the CBL gene, results from a C to A substitution at nucleotide position 692. The threonine at codon 231 is replaced by asparagine, an amino acid with similar properties. This amino acid position is conserved. In addition, the in silico prediction for this alteration is inconclusive. Based on the available evidence, the clinical significance of this variant remains unclear.

Labcorp Genetics (formerly Invitae), Labcorp
Classification: Uncertain significance for RASopathy. Last evaluated: 2024-05-17. Review status: criteria provided, single submitter. Criteria: Invitae Variant Classification Sherloc (09022015). Collection method: clinical testing. Allele origin: germline.
Comment: This sequence change replaces threonine, which is neutral and polar, with asparagine, which is neutral and polar, at codon 231 of the CBL protein (p.Thr231Asn). This variant is not present in population databases (gnomAD no frequency). This variant has not been reported in the literature in individuals affected with CBL-related conditions. Advanced modeling of protein sequence and biophysical properties (such as structural, functional, and spatial information, amino acid conservation, physicochemical variation, residue mobility, and thermodynamic stability) has been performed at Invitae for this missense variant, however the output from this modeling did not meet the statistical confidence thresholds required to predict the impact of this variant on CBL protein function. In summary, the available evidence is currently insufficient to determine the role of this variant in disease. Therefore, it has been classified as a Variant of Uncertain Significance.

Blueprint Genetics
Classification: Uncertain significance. Last evaluated: 2022-12-22. Review status: criteria provided, single submitter. Criteria: ACMG Guidelines, 2015. Collection method: clinical testing. Allele origin: germline.

NM_005188.4(CBL):c.692C>A (p.Thr231Asn)

Gene: CBL (Cbl proto-oncogene; plus strand). Cytogenetic location: 11q23.3.
Variant type: single nucleotide variant.
Coding change: c.692C>A on transcript NM_005188.4 (MANE Select); coding-DNA position 692, C replaced by A.
Protein change: p.Thr231Asn; replaces threonine 231 with asparagine.
Molecular consequence: missense variant.
Genome position (GRCh38, 1-based): chr11:119,273,969, C>A. VCF-style: chr11-119273969-C-A. GRCh37 (hg19) VCF-style: chr11-119144679-C-A.
Other names: c.692C>A (NM_005188.2); short protein forms T231N.
Identifiers: ClinVar variation 3668385 (VCV003668385.4).